The following is an entry in ClinVar:

ClinVar aggregate classification (germline): Conflicting classifications of pathogenicity. Review status: criteria provided, conflicting classifications (1 of 4 stars). 4 submissions from 4 submitters: Likely pathogenic (3); Uncertain significance (1). Last evaluated 2024-09-12.

Conditions:
Neurodevelopmental disorder with or without hyperkinetic movements and seizures, autosomal recessive. Identifiers: MedGen C4693325, MONDO:0060629, OMIM 617820.
GRIN1-related disorder. Also called: GRIN1-related condition.

Submissions (4):

Blueprint Genetics
Classification: Likely pathogenic for GRIN1-related disorders. Last evaluated: 2024-09-12. Review status: criteria provided, single submitter. Criteria: ACMG Guidelines, 2015. Collection method: clinical testing. Allele origin: germline. Affected: yes. Observed: 2 variant alleles.

PreventionGenetics, part of Exact Sciences
Classification: Uncertain significance for GRIN1-related condition. Last evaluated: 2023-02-10. Review status: criteria provided, single submitter. Criteria: ACMG Guidelines, 2015. Collection method: clinical testing. Allele origin: germline.
Comment: The GRIN1 c.1910C>T variant is predicted to result in the amino acid substitution p.Ala637Val. To our knowledge, this variant has not been reported in the literature or public population databases, indicating this variant is rare. Although we suspect that this variant may be pathogenic, at this time, the clinical significance of this variant is uncertain due to the absence of conclusive functional and genetic evidence.

Centre for Mendelian Genomics, University Medical Centre Ljubljana
Classification: Likely pathogenic for Neurodevelopmental disorder with or without hyperkinetic movements and seizures, autosomal recessive. Last evaluated: 2018-11-14. Review status: criteria provided, single submitter. Criteria: ACMG Guidelines, 2015. Collection method: clinical testing. Allele origin: unknown. Affected: yes.
Comment: This variant was classified as: Likely pathogenic. The following ACMG criteria were applied in classifying this variant: PM2,PP3,PP5.

GeneDx
Classification: Likely pathogenic. Last evaluated: 2017-10-03. Review status: criteria provided, single submitter. Criteria: GeneDx Variant Classification (06012015). Collection method: clinical testing. Allele origin: germline. Affected: yes.
Comment: The A637V variant in the GRIN1 gene has not been reported previously as a pathogenic variant, nor as a benign variant, to our knowledge. The A637V variant is not observed in large population cohorts (Lek et al., 2016). The A637V variant is a conservative amino acid substitution, which occurs at a position that is conserved across species. In silico analysis predicts this variant is probably damaging to the protein structure/function. We interpret A637V as a likely pathogenic variant.

NM_007327.4(GRIN1):c.1910C>T (p.Ala637Val)

Gene: GRIN1 (glutamate ionotropic receptor NMDA type subunit 1; plus strand). Cytogenetic location: 9q34.3.
Variant type: single nucleotide variant.
Coding change: c.1910C>T on transcript NM_007327.4 (MANE Select); coding-DNA position 1910, C replaced by T.
Protein change: p.Ala637Val; replaces alanine 637 with valine.
Molecular consequence: missense variant.
Genome position (GRCh38, 1-based): chr9:137,162,636, C>T. VCF-style: chr9-137162636-C-T. GRCh37 (hg19) VCF-style: chr9-140057088-C-T.
Other names: c.1910C>T, p.Ala637Val (NM_000832.7, NM_021569.4); c.1973C>T, p.Ala658Val (NM_001185090.2, NM_001185091.2); short protein forms A637V, A658V.
Identifiers: ClinVar variation 452518 (VCV000452518.6), dbSNP rs1554770221, ClinGen allele CA375720549.
Genomic context (GRCh38, chr9:137,162,636, plus strand): 5'-CCCGCCCGCCCACAGGCGCCCCCAGAAGCTTCTCAGCGCGCATCCTGGGCATGGTGTGGG[C>T]CGGCTTTGCCATGATCATCGTGGCCTCCTACACCGCCAACCTGGCGGCCTTCCTGGTGCT-3'
Protein context (NP_015566.1, residues 627-647): FSARILGMVW[Ala637Val]GFAMIIVASY